The following is an entry in ClinVar:

NM_001378778.1(MPDZ):c.4864A>G (p.Ile1622Val)

Gene: MPDZ (multiple PDZ domain crumbs cell polarity complex component; minus strand). Cytogenetic location: 9p23.
Variant type: single nucleotide variant.
Coding change: c.4864A>G on transcript NM_001378778.1 (MANE Select); coding-DNA position 4864, A replaced by G.
Protein change: p.Ile1622Val; replaces isoleucine 1622 with valine.
Molecular consequence: missense variant.
Genome position (GRCh38, 1-based): chr9:13,123,242, T>C on the plus strand (A>G on the coding strand, the complement: MPDZ is on the minus strand). VCF-style: chr9-13123242-T-C. GRCh37 (hg19) VCF-style: chr9-13123241-T-C.
Other names: c.4765A>G, p.Ile1589Val (NM_001261406.2, NM_001261407.2, NM_001375416.1 and 3 more transcripts); c.4864A>G, p.Ile1622Val (NM_001330637.2, NM_003829.5); c.4963A>G, p.Ile1655Val (NM_001375413.1); c.4654A>G, p.Ile1552Val (NM_001375420.1, NM_001375421.1, NM_001375422.1 and 4 more transcripts); c.4456A>G, p.Ile1486Val (NM_001375427.1); c.4864A>G (NM_003829.3); short protein forms I1655V, I1552V, I1589V, I1622V, I1486V.
Identifiers: ClinVar variation 2063705 (VCV002063705.4), dbSNP rs747548775, ClinGen allele CA4986541.

ClinVar aggregate classification (germline): Uncertain significance. Review status: criteria provided, multiple submitters, no conflicts (2 of 4 stars). 2 submissions from 2 submitters: Uncertain significance (2). Last evaluated 2025-12-23.

Conditions:
Inborn genetic diseases. Identifiers: MedGen C0950123, MeSH D030342.

Allele frequency attached by ClinVar (database versions not stated): gnomAD exomes 0.00002; gnomAD 0.00004; ExAC 0.00005; TOPMed 0.00008.
gnomAD v4.1: 44 of 1,613,352 alleles (0.0027%); highest among the groups gnomAD compares: Admixed American, 0.0033%; no homozygotes.

Submissions (2):

Labcorp Genetics (formerly Invitae), Labcorp
Classification: Uncertain significance. Last evaluated: 2025-12-23. Review status: criteria provided, single submitter. Criteria: Invitae Variant Classification Sherloc (09022015). Collection method: clinical testing. Allele origin: germline.
Comment: This sequence change replaces isoleucine, which is neutral and non-polar, with valine, which is neutral and non-polar, at codon 1622 of the MPDZ protein (p.Ile1622Val). This variant is present in population databases (rs747548775, gnomAD 0.009%). This variant has not been reported in the literature in individuals affected with MPDZ-related conditions. ClinVar contains an entry for this variant (Variation ID: 2063705). An algorithm developed to predict the effect of missense changes on protein structure and function (PolyPhen-2) suggests that this variant is likely to be disruptive. In summary, the available evidence is currently insufficient to determine the role of this variant in disease. Therefore, it has been classified as a Variant of Uncertain Significance.

Ambry Genetics
Classification: Uncertain significance for Inborn genetic diseases. Last evaluated: 2025-01-08. Review status: criteria provided, single submitter. Criteria: Ambry Variant Classification Scheme 2023. Collection method: clinical testing. Allele origin: germline.